The following is an entry in ClinVar:

ClinVar aggregate classification (germline): Conflicting classifications of pathogenicity. Review status: criteria provided, conflicting classifications (1 of 4 stars). 5 submissions from 5 submitters: Likely pathogenic (3); Uncertain significance (1). 1 of the submissions does not count toward it. Last evaluated 2025-05-30.

Conditions:
Leukoencephalopathy with calcifications and cysts. Also called: LABRUNE SYNDROME; Leukoencephalopathy, brain calcifications, and cysts. Identifiers: Orphanet 542310, MedGen C3281200, MONDO:0013803, OMIM 614561.
SNORD118-related disorders.
Meckel-Gruber syndrome. Also called: DYSENCEPHALIA SPLANCHNOCYSTICA; GRUBER SYNDROME; Dysencephalia splachnocystica. Identifiers: Orphanet 564, MedGen C0265215, MONDO:0018921.

Allele frequency attached by ClinVar (database versions not stated): gnomAD 0.00001 and 0.00002; TOPMed 0.00003.
gnomAD v4.1: 19 of 765,282 alleles (0.0025%); highest among the groups gnomAD compares: South Asian, 0.0067%; no homozygotes.

Submissions (5):

First Genomix Gene Laboratory, Genetic Diagnostics Department
Classification: Likely pathogenic for Leukoencephalopathy with calcifications and cysts. Last evaluated: 2025-05-30. Review status: criteria provided, single submitter. Criteria: ACMG Guidelines, 2015. Collection method: clinical testing. Allele origin: germline. Inheritance: Autosomal recessive inheritance. Affected: no.

Labcorp Genetics (formerly Invitae), Labcorp
Classification: Uncertain significance. Last evaluated: 2024-03-26. Review status: criteria provided, single submitter. Criteria: Invitae Variant Classification Sherloc (09022015). Collection method: clinical testing. Allele origin: germline.
Comment: This variant occurs in the SNORD118 gene, which encodes an RNA molecule that does not result in a protein product. The frequency data for this variant in the population databases is considered unreliable, as metrics indicate poor data quality at this position in the gnomAD database. This variant has been observed in individual(s) with clinical features of leukoencephalopathy with brain calcifications and cysts (PMID: 29984898). ClinVar contains an entry for this variant (Variation ID: 929282). Experimental studies and prediction algorithms are not available or were not evaluated, and the functional significance of this variant is currently unknown. In summary, the available evidence is currently insufficient to determine the role of this variant in disease. Therefore, it has been classified as a Variant of Uncertain Significance.

Department of Pathology and Laboratory Medicine, Sinai Health System
Classification: Likely pathogenic for Meckel-Gruber syndrome. Last evaluated: 2023-07-17. Review status: criteria provided, single submitter. Criteria: ACMG Guidelines, 2015. Collection method: research. Allele origin: germline.

Blueprint Genetics
Classification: Likely pathogenic for SNORD118-related disorders. Last evaluated: 2023-02-06. Review status: criteria provided, single submitter. Criteria: ACMG Guidelines, 2015. Collection method: clinical testing. Allele origin: germline. Affected: yes. Observed: 5 variant alleles.

Laboratory of Neurogenetics and Neuroinflammation, Institut Imagine
Classification: Pathogenic for Leukoencephalopathy, brain calcifications, and cysts. Last evaluated: 2020-04-06. Review status: no assertion criteria provided. Collection method: clinical testing. Allele origin: germline. Affected: yes. Observed: 2 variant alleles. Not counted in ClinVar's aggregate classification.

Literature cited by the submitters: PubMed 29984898 (cited by Labcorp Genetics (formerly Invitae), Labcorp and Laboratory of Neurogenetics and Neuroinflammation, Institut Imagine).

NR_033294.2(SNORD118):n.61A>G

Genes: SNORD118 (small nucleolar RNA, C/D box 118; minus strand), TMEM107 (transmembrane protein 107; minus strand). Cytogenetic location: 17p13.1.
Variant type: single nucleotide variant.
Molecular consequence: non-coding transcript variant (on NR_033294.2). On other transcripts: 3 prime UTR variant (5).
Genome position: GRCh38 VCF-style: chr17-8173528-T-C. GRCh37 (hg19) VCF-style: chr17-8076846-T-C.
Other names: c.*675A>G (NM_001351278.2, NM_001351279.2, NM_001351280.2 and 2 more transcripts).
Identifiers: ClinVar variation 929282 (VCV000929282.9), dbSNP rs750457525, ClinGen allele CA8370706.
Genomic context (GRCh38, chr17:8,173,528, plus strand): 5'-ATCAGGGTGTTGCAAGTCCTGATTACGCAGAGACGTTAATCACGTTTCATGCATCTCCAA[T>C]CATCATGTTCTAATCTGCCCTCCGGAGGAGGAACAGGTAAGGATTATCCCACCTGACGAT-3'